The following is an entry in ClinVar:

ClinVar aggregate classification (germline): Likely benign. Review status: criteria provided, multiple submitters, no conflicts (2 of 4 stars). 2 submissions from 2 submitters: Likely benign (2). Last evaluated 2026-07-01.

Conditions:
Menkes kinky-hair syndrome (MNK). Also called: Copper transport disease; Menkes Disease; Classic Menkes Disease. Identifiers: Orphanet 565, MedGen C0022716, MONDO:0010651, OMIM 309400.
X-linked distal spinal muscular atrophy type 3. Also called: ATP7A-Related Distal Motor Neuropathy; SPINAL MUSCULAR ATROPHY, DISTAL, X-LINKED RECESSIVE; NEURONOPATHY, DISTAL HEREDITARY MOTOR, X-LINKED; NEUROPATHY, DISTAL HEREDITARY MOTOR, X-LINKED. Identifiers: Orphanet 139557, MedGen C1845359, MONDO:0010338, OMIM 300489.
Cutis laxa, X-linked (OHS). Also called: EDS IX; Occipital horn syndrome. Identifiers: Orphanet 198, MedGen C0268353, MONDO:0010572, OMIM 304150.

Allele frequency attached by ClinVar (database versions not stated): gnomAD 0.00001; gnomAD exomes 0.00001 and 0.00003; TOPMed 0.00001; ExAC 0.00003.
gnomAD v4.1: 18 of 1,209,993 alleles (0.0015%); highest among the groups gnomAD compares: South Asian, 0.026%; no homozygotes.

Submissions (2):

CeGaT Center for Human Genetics Tuebingen
Classification: Likely benign. Last evaluated: 2026-07-01. Review status: criteria provided, single submitter. Criteria: CeGaT Center For Human Genetics Tuebingen Variant Classification Criteria Version 2. Collection method: clinical testing. Allele origin: germline. Affected: yes. Observed: 1 variant allele.
Comment: ATP7A: BS2

Labcorp Genetics (formerly Invitae), Labcorp
Classification: Likely benign for X-linked distal spinal muscular atrophy type 3; Cutis laxa, X-linked; Menkes kinky-hair syndrome. Last evaluated: 2024-11-28. Review status: criteria provided, single submitter. Criteria: Invitae Variant Classification Sherloc (09022015). Collection method: clinical testing. Allele origin: germline.

NM_000052.7(ATP7A):c.2680A>G (p.Ile894Val)

Gene: ATP7A (ATPase copper transporting alpha; plus strand). Cytogenetic location: Xq21.1.
Variant type: single nucleotide variant.
Coding change: c.2680A>G on transcript NM_000052.7 (MANE Select); coding-DNA position 2680, A replaced by G.
Protein change: p.Ile894Val; replaces isoleucine 894 with valine.
Molecular consequence: missense variant.
Genome position (GRCh38, 1-based): chrX:78,020,297, A>G. VCF-style: chrX-78020297-A-G. GRCh37 (hg19) VCF-style: chrX-77275794-A-G.
Other names: c.2446A>G, p.Ile816Val (NM_001282224.2); short protein forms I816V, I894V.
Identifiers: ClinVar variation 1134692 (VCV001134692.10), dbSNP rs782430502, ClinGen allele CA10459312.